The following is an entry in ClinVar:

NM_004482.4(GALNT3):c.1244A>G (p.His415Arg)

Gene: GALNT3 (polypeptide N-acetylgalactosaminyltransferase 3; minus strand). Cytogenetic location: 2q24.3.
Variant type: single nucleotide variant.
Coding change: c.1244A>G on transcript NM_004482.4 (MANE Select); coding-DNA position 1244, A replaced by G.
Protein change: p.His415Arg; replaces histidine 415 with arginine.
Molecular consequence: missense variant.
Genome position (GRCh38, 1-based): chr2:165,757,195, T>C on the plus strand (A>G on the coding strand, the complement: GALNT3 is on the minus strand). VCF-style: chr2-165757195-T-C. GRCh37 (hg19) VCF-style: chr2-166613705-T-C.
Other names: short protein forms H415R.
Identifiers: ClinVar variation 3384047 (VCV003384047.1).

ClinVar aggregate classification (germline): Likely pathogenic (1 of 4 stars; one submission).

Conditions:
Tumoral calcinosis, hyperphosphatemic, familial, 1. Also called: CALCINOSIS, TUMORAL, WITH HYPERPHOSPHATEMIA; LIPOCALCINOGRANULOMATOSIS; MORBUS TEUTSCHLAENDER; TEUTSCHLAENDER DISEASE, FAMILIAL; TUMORAL CALCINOSIS, PRIMARY HYPERPHOSPHATEMIC; HYPEROSTOSIS WITH HYPERPHOSPHATEMIA. Identifiers: Orphanet 53715, MedGen C4692564, MONDO:0100252, OMIM 211900.

gnomAD v4.1: 2 of 1,614,118 alleles (0.00012%); highest among the groups gnomAD compares: Non-Finnish European, 0.00017%; no homozygotes.

Submission:

Dubai Health Genomic Medicine Center, Dubai Health
Classification: Likely pathogenic for Tumoral calcinosis, hyperphosphatemic, familial, 1. Last evaluated: 2024-10-04. Review status: criteria provided, single submitter. Criteria: ACMG Guidelines, 2015. Collection method: research. Allele origin: germline. Affected: yes.
Comment: PP4,PM2,PP3,PP1